The following is an entry in ClinVar:

NM_182641.4(BPTF):c.8701A>T (p.Lys2901Ter)

Gene: BPTF (bromodomain PHD finger transcription factor; plus strand). Cytogenetic location: 17q24.2.
Variant type: single nucleotide variant.
Coding change: c.8701A>T on transcript NM_182641.4 (MANE Select); coding-DNA position 8701, A replaced by T.
Protein change: p.Lys2901Ter; replaces lysine 2901 with a stop codon.
Molecular consequence: nonsense.
Genome position (GRCh38, 1-based): chr17:67,975,933, A>T. VCF-style: chr17-67975933-A-T. GRCh37 (hg19) VCF-style: chr17-65972049-A-T.
Other names: c.8650A>T, p.Lys2884Ter (NM_004459.7); short protein forms K2884*, K2901*.
Identifiers: ClinVar variation 431066 (VCV000431066.2), dbSNP rs1555693714, ClinGen allele CA400734141.
Genomic context (GRCh38, chr17:67,975,933, plus strand): 5'-AATCCAAGTGACTCCCCATTTTACCAGTGTGCAGAAGTTCTCGAATCATTCTTTGTACAG[A>T]AATTGAAAGGCTTCAAAGCTAGCAGGTGAGCAGATGGGTTCGGTATTCTGAATTAATTCA-3'

ClinVar aggregate classification (germline): Pathogenic. Review status: no assertion criteria provided (0 of 4 stars). 2 submissions from 2 submitters: Pathogenic (2). Last evaluated 2017-11-07.

Conditions:
Neurodevelopmental disorder with dysmorphic facies and distal limb anomalies. Identifiers: Orphanet 686482, MedGen C4540327, MONDO:0060596, OMIM 617755.
Secondary microcephaly. Also called: Postnatal microcephaly. Identifiers: MedGen C0431352, HP:0005484.
Expressive language delay. Identifiers: MedGen C0454641, HP:0002474.
Global developmental delay (DD). Also called: Cognitive delay. Identifiers: MedGen C0557874, HP:0001263. Disease mechanism: loss of function.

Submissions (2):

OMIM
Classification: Pathogenic for NEURODEVELOPMENTAL DISORDER WITH DYSMORPHIC FACIES AND DISTAL LIMB ANOMALIES. Last evaluated: 2017-11-07. Review status: no assertion criteria provided. Collection method: literature only. Allele origin: germline.

Baylor Genetics
Classification: Pathogenic for Secondary microcephaly; Expressive language delay; Global developmental delay. Last evaluated: 2017-07-03. Review status: no assertion criteria provided. Collection method: clinical testing. Allele origin: de novo. Inheritance: Autosomal dominant inheritance. Affected: yes. Observed: 1 variant allele, 1 heterozygote. Study: BPTF_variants.

Literature cited by the submitters: PubMed 28942966 (cited by OMIM and Baylor Genetics).